The following is an entry in ClinVar:

ClinVar aggregate classification (germline): Uncertain significance (1 of 4 stars; one submission).

Allele frequency attached by ClinVar (database versions not stated): TOPMed below 0.00001.

Submission:

Labcorp Genetics (formerly Invitae), Labcorp
Classification: Uncertain significance. Last evaluated: 2024-02-22. Review status: criteria provided, single submitter. Criteria: Invitae Variant Classification Sherloc (09022015). Collection method: clinical testing. Allele origin: germline.
Comment: This sequence change replaces arginine, which is basic and polar, with cysteine, which is neutral and slightly polar, at codon 133 of the RELA protein (p.Arg133Cys). This variant is not present in population databases (gnomAD no frequency). This variant has not been reported in the literature in individuals affected with RELA-related conditions. An algorithm developed to predict the effect of missense changes on protein structure and function (PolyPhen-2) suggests that this variant is likely to be disruptive. In summary, the available evidence is currently insufficient to determine the role of this variant in disease. Therefore, it has been classified as a Variant of Uncertain Significance.

NM_021975.4(RELA):c.397C>T (p.Arg133Cys)

Gene: RELA (RELA proto-oncogene, NF-kB subunit; minus strand). Cytogenetic location: 11q13.1.
Variant type: single nucleotide variant.
Coding change: c.397C>T on transcript NM_021975.4 (MANE Select); coding-DNA position 397, C replaced by T.
Protein change: p.Arg133Cys; replaces arginine 133 with cysteine.
Molecular consequence: missense variant. On other transcripts: intron variant (1).
Genome position (GRCh38, 1-based): chr11:65,660,154, G>A on the plus strand (C>T on the coding strand, the complement: RELA is on the minus strand). VCF-style: chr11-65660154-G-A. GRCh37 (hg19) VCF-style: chr11-65427625-G-A.
Other names: c.397C>T, p.Arg133Cys (NM_001145138.2, NM_001243984.2, NM_001243985.2 and 2 more transcripts); c.430C>T, p.Arg144Cys (NM_001404657.1); c.370C>T, p.Arg124Cys (NM_001404658.1); c.304C>T, p.Arg102Cys (NM_001404662.1, NM_001404663.1); c.47-357C>T (NM_001404661.1); short protein forms R133C, R144C, R124C, R102C.
Identifiers: ClinVar variation 2817708 (VCV002817708.3), dbSNP rs1856528412, ClinGen allele CA381393486.